The following is an entry in ClinVar:

NM_020693.4(DSCAML1):c.536A>G (p.His179Arg)

Gene: DSCAML1 (DS cell adhesion molecule like 1; minus strand). Cytogenetic location: 11q23.3.
Variant type: single nucleotide variant.
Coding change: c.536A>G on transcript NM_020693.4 (MANE Select); coding-DNA position 536, A replaced by G.
Protein change: p.His179Arg; replaces histidine 179 with arginine.
Molecular consequence: missense variant.
Genome position (GRCh38, 1-based): chr11:117,532,498, T>C on the plus strand (A>G on the coding strand, the complement: DSCAML1 is on the minus strand). VCF-style: chr11-117532498-T-C. GRCh37 (hg19) VCF-style: chr11-117403213-T-C.
Other names: c.536A>G, p.His179Arg (NM_001367904.1); c.128A>G, p.His43Arg (NM_001367905.1); short protein forms H179R, H43R.
Identifiers: ClinVar variation 1998233 (VCV001998233.4), dbSNP rs2543301682, ClinGen allele CA382752171.

ClinVar aggregate classification (germline): Uncertain significance (1 of 4 stars; one submission).

Submission:

Labcorp Genetics (formerly Invitae), Labcorp
Classification: Uncertain significance. Last evaluated: 2022-07-05. Review status: criteria provided, single submitter. Criteria: Invitae Variant Classification Sherloc (09022015). Collection method: clinical testing. Allele origin: germline.
Comment: In summary, the available evidence is currently insufficient to determine the role of this variant in disease. Therefore, it has been classified as a Variant of Uncertain Significance. Algorithms developed to predict the effect of missense changes on protein structure and function (SIFT, PolyPhen-2, Align-GVGD) all suggest that this variant is likely to be tolerated. This variant has not been reported in the literature in individuals affected with DSCAML1-related conditions. This variant is not present in population databases (gnomAD no frequency). This sequence change replaces histidine, which is basic and polar, with arginine, which is basic and polar, at codon 239 of the DSCAML1 protein (p.His239Arg).